The following is an entry in ClinVar:

ClinVar aggregate classification (germline): Uncertain significance. Review status: criteria provided, multiple submitters, no conflicts (2 of 4 stars). 4 submissions from 4 submitters: Uncertain significance (4). Last evaluated 2026-03-26.

Conditions:
Inborn genetic diseases. Identifiers: MedGen C0950123, MeSH D030342.
Episodic ataxia type 1 (EA1). Also called: ATAXIA, EPISODIC, WITH MYOKYMIA; Episodic ataxia/myokymia syndrome; MYOKYMIA WITH PERIODIC ATAXIA; PAROXYSMAL ATAXIA WITH NEUROMYOTONIA, HEREDITARY. Identifiers: Orphanet 37612, Orphanet 972, MedGen C1719788, MONDO:0008047, OMIM 160120.

Allele frequency attached by ClinVar (database versions not stated): ESP Exome Variant Server 0.00008; gnomAD exomes below 0.00001 and 0.00002; ExAC 0.00001; TOPMed 0.00002; gnomAD 0.00002.

Submissions (4):

Ambry Genetics
Classification: Uncertain significance for Inborn genetic diseases. Last evaluated: 2026-03-26. Review status: criteria provided, single submitter. Criteria: Ambry Variant Classification Scheme 2023. Collection method: clinical testing. Allele origin: germline.
Comment: The c.667A>G (p.I223V) alteration is located in exon 2 (coding exon 1) of the KCNA1 gene. This alteration results from a A to G substitution at nucleotide position 667, causing the isoleucine (I) at amino acid position 223 to be replaced by a valine (V). Based on data from gnomAD, the G allele has an overall frequency of <0.001% (1/251494) total alleles studied. The highest observed frequency was 0.001% (1/113768) of European (non-Finnish) alleles. Based on insufficient or conflicting evidence, the clinical significance of this alteration remains unclear.

Women's Health and Genetics/Laboratory Corporation of America, LabCorp
Classification: Uncertain significance. Last evaluated: 2025-06-04. Review status: criteria provided, single submitter. Criteria: LabCorp Variant Classification Summary - May 2015. Collection method: clinical testing. Allele origin: germline.
Comment: Variant summary: KCNA1 c.667A>G (p.Ile223Val) results in a conservative amino acid change in the encoded protein sequence. Algorithms developed to predict the effect of missense changes on protein structure and function are either unavailable or do not agree on the potential impact of this missense change. The variant allele was found at a frequency of 4e-06 in 251494 control chromosomes. The available data on variant occurrences in the general population are insufficient to allow any conclusion about variant significance. To our knowledge, no occurrence of c.667A>G in individuals affected with Episodic Ataxia Type 1 and no experimental evidence demonstrating its impact on protein function have been reported. ClinVar contains an entry for this variant (Variation ID: 1006491). Based on the evidence outlined above, the variant was classified as uncertain significance.

Labcorp Genetics (formerly Invitae), Labcorp
Classification: Uncertain significance for Episodic ataxia type 1. Last evaluated: 2025-05-28. Review status: criteria provided, single submitter. Criteria: Invitae Variant Classification Sherloc (09022015). Collection method: clinical testing. Allele origin: germline.
Comment: This sequence change replaces isoleucine, which is neutral and non-polar, with valine, which is neutral and non-polar, at codon 223 of the KCNA1 protein (p.Ile223Val). This variant is present in population databases (rs146948558, gnomAD 0.0009%). This variant has not been reported in the literature in individuals affected with KCNA1-related conditions. ClinVar contains an entry for this variant (Variation ID: 1006491). Invitae Evidence Modeling of protein sequence and biophysical properties (such as structural, functional, and spatial information, amino acid conservation, physicochemical variation, residue mobility, and thermodynamic stability) indicates that this missense variant is not expected to disrupt KCNA1 protein function with a negative predictive value of 80%. In summary, the available evidence is currently insufficient to determine the role of this variant in disease. Therefore, it has been classified as a Variant of Uncertain Significance.

Athena Diagnostics
Classification: Uncertain significance. Last evaluated: 2024-03-28. Review status: criteria provided, single submitter. Criteria: Athena Diagnostics Criteria. Collection method: clinical testing. Allele origin: unknown.
Comment: Available data are insufficient to determine the clinical significance of the variant at this time. The frequency of this variant in the general population is uninformative in assessment of its pathogenicity. Computational tools predict that this variant is not damaging.

NM_000217.3(KCNA1):c.667A>G (p.Ile223Val)

Gene: KCNA1 (potassium voltage-gated channel subfamily A member 1; plus strand). Cytogenetic location: 12p13.32.
Variant type: single nucleotide variant.
Coding change: c.667A>G on transcript NM_000217.3 (MANE Select); coding-DNA position 667, A replaced by G.
Protein change: p.Ile223Val; replaces isoleucine 223 with valine.
Molecular consequence: missense variant.
Genome position (GRCh38, 1-based): chr12:4,912,045, A>G. VCF-style: chr12-4912045-A-G. GRCh37 (hg19) VCF-style: chr12-5021211-A-G.
Other names: short protein forms I223V.
Identifiers: ClinVar variation 1006491 (VCV001006491.12), dbSNP rs146948558, ClinGen allele CA6399414.